The following is an entry in ClinVar:

NM_007294.4(BRCA1):c.559T>C (p.Ser187Pro)

Gene: BRCA1 (BRCA1 DNA repair associated; minus strand). Cytogenetic location: 17q21.31.
Variant type: single nucleotide variant.
Coding change: c.559T>C on transcript NM_007294.4 (MANE Select); coding-DNA position 559, T replaced by C.
Protein change: p.Ser187Pro; replaces serine 187 with proline.
Molecular consequence: missense variant. On other transcripts: intron variant (115).
Genome position (GRCh38, 1-based): chr17:43,097,278, A>G on the plus strand (T>C on the coding strand, the complement: BRCA1 is on the minus strand). VCF-style: chr17-43097278-A-G. GRCh37 (hg19) VCF-style: chr17-41249295-A-G.
Other names: c.559T>C, p.Ser187Pro (NM_001407684.1, NM_001407581.1, NM_001407582.1 and 58 more transcripts); c.418T>C, p.Ser140Pro (NM_001407695.1, NM_001407692.1, NM_001407694.1 and 43 more transcripts); c.481T>C, p.Ser161Pro (NM_001407663.1, NM_001407653.1, NM_001407654.1 and 9 more transcripts); c.478T>C, p.Ser160Pro (NM_001407662.1, NM_001407659.1, NM_001407660.1 and 3 more transcripts); c.346T>C, p.Ser116Pro (NM_001407571.1, NM_001407853.1, NM_001407894.1 and 12 more transcripts); c.556T>C, p.Ser186Pro (NM_001407587.1, NM_001407590.1, NM_001407591.1 and 41 more transcripts); c.550T>C, p.Ser184Pro (NM_001407646.1, NM_001407647.1, NM_001408408.1); c.415T>C, p.Ser139Pro (NM_001407740.1, NM_001407741.1, NM_001407742.1 and 26 more transcripts); and 17 more; short protein forms S116P, S117P, S139P, S140P, S142P, S160P, S161P, S184P.
Identifiers: ClinVar variation 3894329 (VCV003894329.1).

ClinVar aggregate classification (germline): Uncertain significance (1 of 4 stars; one submission).

Conditions:
Hereditary cancer-predisposing syndrome. Also called: Neoplastic Syndromes, Hereditary; Tumor predisposition; Hereditary Cancer Syndrome; Hereditary neoplastic syndrome. Identifiers: Orphanet 140162, MedGen C0027672, MeSH D009386, MONDO:0015356.

Submission:

Color Diagnostics, LLC DBA Color Health
Classification: Uncertain significance for Hereditary cancer-predisposing syndrome. Last evaluated: 2024-04-29. Review status: criteria provided, single submitter. Criteria: ACMG Guidelines, 2015. Collection method: clinical testing. Allele origin: germline.
Comment: This missense variant replaces serine with proline at codon 187 of the BRCA1 protein. Computational prediction suggests that this variant may have deleterious impact on protein structure and function. To our knowledge, functional studies have not been reported for this variant. This variant has not been reported in individuals affected with BRCA1-related disorders in the literature. This variant has not been identified in the general population by the Genome Aggregation Database (gnomAD). The available evidence is insufficient to determine the role of this variant in disease conclusively. Therefore, this variant is classified as a Variant of Uncertain Significance.